The following is an entry in ClinVar:

NM_014639.4(SKIC3):c.1499G>T (p.Gly500Val)

Gene: SKIC3 (SKI3 subunit of superkiller complex; minus strand). Cytogenetic location: 5q15.
Variant type: single nucleotide variant.
Coding change: c.1499G>T on transcript NM_014639.4 (MANE Select); coding-DNA position 1499, G replaced by T.
Protein change: p.Gly500Val; replaces glycine 500 with valine.
Molecular consequence: missense variant.
Genome position (GRCh38, 1-based): chr5:95,523,788, C>A on the plus strand (G>T on the coding strand, the complement: SKIC3 is on the minus strand). VCF-style: chr5-95523788-C-A. GRCh37 (hg19) VCF-style: chr5-94859492-C-A.
Other names: short protein forms G500V.
Identifiers: ClinVar variation 625532 (VCV000625532.4), dbSNP rs138144509, ClinGen allele CA3347312.

ClinVar aggregate classification (germline): Uncertain significance. Review status: criteria provided, single submitter (1 of 4 stars). 2 submissions from 2 submitters: Uncertain significance (1). 1 of the submissions does not count toward it. Last evaluated 2024-04-30.

Allele frequency attached by ClinVar (database versions not stated): gnomAD 0.00001; gnomAD exomes 0.00002; TOPMed 0.00002; ESP Exome Variant Server 0.00008; ExAC 0.00001.
gnomAD v4.1: 47 of 1,613,362 alleles (0.0029%); highest among the groups gnomAD compares: Non-Finnish European, 0.0037%; no homozygotes.

Submissions (2):

Labcorp Genetics (formerly Invitae), Labcorp
Classification: Uncertain significance. Last evaluated: 2024-04-30. Review status: criteria provided, single submitter. Criteria: Invitae Variant Classification Sherloc (09022015). Collection method: clinical testing. Allele origin: germline.
Comment: This sequence change replaces glycine, which is neutral and non-polar, with valine, which is neutral and non-polar, at codon 500 of the TTC37 protein (p.Gly500Val). This variant is present in population databases (rs138144509, gnomAD 0.006%). This missense change has been observed in individual(s) with trichohepatoenteric syndrome (PMID: 29527791). ClinVar contains an entry for this variant (Variation ID: 625532). An algorithm developed to predict the effect of missense changes on protein structure and function (PolyPhen-2) suggests that this variant is likely to be disruptive. In summary, the available evidence is currently insufficient to determine the role of this variant in disease. Therefore, it has been classified as a Variant of Uncertain Significance.

Molecular Genetics Laboratory, BC Children's and BC Women's Hospitals
Classification: Likely pathogenic. Last evaluated: 2018-10-01. Review status: no assertion criteria provided. Criteria: ACMG Guidelines, 2015. Collection method: clinical testing. Allele origin: germline. Affected: yes. Not counted in ClinVar's aggregate classification.

Literature cited by the submitters: PubMed 29527791 (cited by Labcorp Genetics (formerly Invitae), Labcorp).